The following is an entry in ClinVar:

NM_006031.6(PCNT):c.4863T>G (p.Asp1621Glu)

Gene: PCNT (pericentrin; plus strand). Cytogenetic location: 21q22.3.
Variant type: single nucleotide variant.
Coding change: c.4863T>G on transcript NM_006031.6 (MANE Select); coding-DNA position 4863, T replaced by G.
Protein change: p.Asp1621Glu; replaces aspartic acid 1621 with glutamic acid.
Molecular consequence: missense variant.
Genome position (GRCh38, 1-based): chr21:46,401,622, T>G. VCF-style: chr21-46401622-T-G. GRCh37 (hg19) VCF-style: chr21-47821536-T-G.
Other names: c.4509T>G, p.Asp1503Glu (NM_001315529.2); c.4863T>G (NM_006031.5); short protein forms D1621E, D1503E.
Identifiers: ClinVar variation 593370 (VCV000593370.6), dbSNP rs775246257, ClinGen allele CA10079803.
Genomic context (GRCh38, chr21:46,401,622, plus strand): 5'-GTTAAAGAAACAGCAGATGAGTAGCTTGCTTCTGGCGTCCACGTTGCAGTCTACACTAGA[T>G]GCAGGCAGATGTCCCGAGCCTCCTTCGGGCAGCCCTCCTGAGGGTCCAGAAATACAGTTA-3'
Protein context (NP_006022.3, residues 1611-1631): LLASTLQSTL[Asp1621Glu]AGRCPEPPSG

ClinVar aggregate classification (germline): Uncertain significance. Review status: criteria provided, single submitter (1 of 4 stars). 2 submissions from 2 submitters: Uncertain significance (1). 1 of the submissions does not count toward it. Last evaluated 2017-08-08.

Conditions:
PCNT-related disorder. Also called: PCNT-related condition.

Allele frequency attached by ClinVar (database versions not stated): gnomAD 0.00001; ExAC 0.00002; TOPMed 0.00001; gnomAD exomes 0.00001.
gnomAD v4.1: 7 of 1,613,650 alleles (0.00043%); highest among the groups gnomAD compares: Non-Finnish European, 0.00059%; no homozygotes.

Submissions (2):

Eurofins Ntd Llc (ga)
Classification: Uncertain significance. Last evaluated: 2017-08-08. Review status: criteria provided, single submitter. Criteria: EGL Classification Definitions 2015. Collection method: clinical testing. Allele origin: germline. Observed: 1 variant allele, 1 heterozygote.

PreventionGenetics, part of Exact Sciences
Classification: Uncertain significance for PCNT-related condition. Last evaluated: 2024-01-30. Review status: no assertion criteria provided. Collection method: clinical testing. Allele origin: germline. Not counted in ClinVar's aggregate classification.
Comment: The PCNT c.4863T>G variant is predicted to result in the amino acid substitution p.Asp1621Glu. To our knowledge, this variant has not been reported in the literature. This variant is reported in 0.0018% of alleles in individuals of European (Non-Finnish) descent in gnomAD. At this time, the clinical significance of this variant is uncertain due to the absence of conclusive functional and genetic evidence.